The following is an entry in ClinVar:

NM_001367916.1(MAGT1):c.676_680del (p.Phe226fs)

Gene: MAGT1 (magnesium transporter 1; minus strand). Cytogenetic location: Xq21.1.
Variant type: Deletion.
Coding change: c.676_680del on transcript NM_001367916.1 (MANE Select); coding-DNA positions 676 to 680, 5 bases deleted (TTTGT; older notation c.676_680delTTTGT).
Protein change: p.Phe226fs; shifts the reading frame from phenylalanine 226.
Molecular consequence: frameshift variant.
Genome position (GRCh38, 1-based): chrX:77,855,583-77,855,587, ACAAA deleted on the plus strand (TTTGT on the coding strand, the reverse complement: MAGT1 is on the minus strand); deleting any 5 consecutive bases within chrX:77,855,583-77,855,590 gives the same sequence; the c. name uses the placement nearest the transcript's 3' end. VCF-style (leftmost placement, unchanged base first): chrX-77855582-CACAAA-C. GRCh37 (hg19) VCF-style: chrX-77111079-CACAAA-C.
Other names: c.772_776del, p.Phe258fs (LRG_353t1, NM_032121.5); c.772_776delTTTGT (NM_032121.5); short protein forms F258fs, F226fs.
Identifiers: ClinVar variation 662023 (VCV000662023.10), dbSNP rs1603361606, ClinGen allele CA915951245.

ClinVar aggregate classification (germline): Pathogenic (1 of 4 stars; one submission).

Conditions:
X-linked immunodeficiency with magnesium defect, Epstein-Barr virus infection and neoplasia. Identifiers: Orphanet 317476, MedGen C3275445, MONDO:0010455, OMIM 300853.

Submission:

Labcorp Genetics (formerly Invitae), Labcorp
Classification: Pathogenic for X-linked immunodeficiency with magnesium defect, Epstein-Barr virus infection and neoplasia. Last evaluated: 2024-10-29. Review status: criteria provided, single submitter. Criteria: Invitae Variant Classification Sherloc (09022015). Collection method: clinical testing. Allele origin: germline.
Comment: This sequence change creates a premature translational stop signal (p.Phe258Alafs*20) in the MAGT1 gene. It is expected to result in an absent or disrupted protein product. Loss-of-function variants in MAGT1 are known to be pathogenic (PMID: 24550228). This variant is not present in population databases (gnomAD no frequency). This variant has not been reported in the literature in individuals affected with MAGT1-related conditions. ClinVar contains an entry for this variant (Variation ID: 662023). For these reasons, this variant has been classified as Pathogenic.

Literature cited by the submitters: PubMed 24550228 (cited by Labcorp Genetics (formerly Invitae), Labcorp).